The following is an entry in ClinVar:

ClinVar aggregate classification (germline): Uncertain significance (1 of 4 stars; one submission).

Submission:

Ambry Genetics
Classification: Uncertain significance. Last evaluated: 2024-06-12. Review status: criteria provided, single submitter. Criteria: Ambry Variant Classification Scheme 2023. Collection method: clinical testing. Allele origin: germline.
Comment: The p.P850R variant (also known as c.2549C>G), located in coding exon 1 of the MLH3 gene, results from a C to G substitution at nucleotide position 2549. The proline at codon 850 is replaced by arginine, an amino acid with dissimilar properties. This amino acid position is conserved. In addition, the in silico prediction for this alteration is inconclusive. Based on the available evidence, the clinical significance of this variant remains unclear.

NM_001040108.2(MLH3):c.2549C>G (p.Pro850Arg)

Gene: MLH3 (mutL homolog 3; minus strand). Cytogenetic location: 14q24.3.
Variant type: single nucleotide variant.
Coding change: c.2549C>G on transcript NM_001040108.2 (MANE Select); coding-DNA position 2549, C replaced by G.
Protein change: p.Pro850Arg; replaces proline 850 with arginine.
Molecular consequence: missense variant.
Genome position (GRCh38, 1-based): chr14:75,047,107, G>C on the plus strand (C>G on the coding strand, the complement: MLH3 is on the minus strand). VCF-style: chr14-75047107-G-C. GRCh37 (hg19) VCF-style: chr14-75513810-G-C.
Other names: c.2549C>G, p.Pro850Arg (NM_014381.3); short protein forms P850R.
Identifiers: ClinVar variation 3295161 (VCV003295161.1).